The following is an entry in ClinVar:

NM_001367624.2(ZNF469):c.9334C>T (p.Arg3112Trp)

Gene: ZNF469 (zinc finger protein 469; plus strand). Cytogenetic location: 16q24.2.
Variant type: single nucleotide variant.
Coding change: c.9334C>T on transcript NM_001367624.2 (MANE Select); coding-DNA position 9334, C replaced by T.
Protein change: p.Arg3112Trp; replaces arginine 3112 with tryptophan.
Molecular consequence: missense variant.
Genome position (GRCh38, 1-based): chr16:88,436,804, C>T. VCF-style: chr16-88436804-C-T. GRCh37 (hg19) VCF-style: chr16-88503212-C-T.
Other names: short protein forms R3112W.
Identifiers: ClinVar variation 3701860 (VCV003701860.2).

ClinVar aggregate classification (germline): Uncertain significance (1 of 4 stars; one submission).

gnomAD v4.1: 27 of 1,541,306 alleles (0.0018%); highest among the groups gnomAD compares: East Asian, 0.0098%; no homozygotes.

Submission:

Labcorp Genetics (formerly Invitae), Labcorp
Classification: Uncertain significance. Last evaluated: 2024-10-15. Review status: criteria provided, single submitter. Criteria: Invitae Variant Classification Sherloc (09022015). Collection method: clinical testing. Allele origin: germline.
Comment: This sequence change replaces arginine, which is basic and polar, with tryptophan, which is neutral and slightly polar, at codon 3084 of the ZNF469 protein (p.Arg3084Trp). The frequency data for this variant in the population databases is considered unreliable, as metrics indicate poor data quality at this position in the gnomAD database. This variant has not been reported in the literature in individuals affected with ZNF469-related conditions. An algorithm developed to predict the effect of missense changes on protein structure and function (PolyPhen-2) suggests that this variant is likely to be disruptive. In summary, the available evidence is currently insufficient to determine the role of this variant in disease. Therefore, it has been classified as a Variant of Uncertain Significance.